The following is an entry in ClinVar:

ClinVar aggregate classification (germline): Uncertain significance. Review status: criteria provided, multiple submitters, no conflicts (2 of 4 stars). 2 submissions from 2 submitters: Uncertain significance (2). Last evaluated 2022-03-21.

Conditions:
Autosomal recessive ataxia, Beauce type. Also called: Spinocerebellar ataxia, autosomal recessive 8; ATAXIA, RECESSIVE, OF BEAUCE; SYNE1-Related Autosomal Recessive Cerebellar Ataxia; SYNE1 Deficiency. Identifiers: Orphanet 88644, MedGen C1853116, MONDO:0012549, OMIM 610743.
Emery-Dreifuss muscular dystrophy 4, autosomal dominant (EDMD4). Also called: EMERY-DREIFUSS MUSCULAR DYSTROPHY 4 WITH VARIABLE FEATURES. Identifiers: Orphanet 261, MedGen C2751807, MONDO:0013071, OMIM 612998.

Submissions (2):

Labcorp Genetics (formerly Invitae), Labcorp
Classification: Uncertain significance for Emery-Dreifuss muscular dystrophy 4, autosomal dominant; Autosomal recessive ataxia, Beauce type. Last evaluated: 2022-03-21. Review status: criteria provided, single submitter. Criteria: Invitae Variant Classification Sherloc (09022015). Collection method: clinical testing. Allele origin: germline.
Comment: In summary, the available evidence is currently insufficient to determine the role of this variant in disease. Therefore, it has been classified as a Variant of Uncertain Significance. Algorithms developed to predict the effect of missense changes on protein structure and function (SIFT, PolyPhen-2, Align-GVGD) all suggest that this variant is likely to be disruptive. ClinVar contains an entry for this variant (Variation ID: 872151). This variant has not been reported in the literature in individuals affected with SYNE1-related conditions. This variant is not present in population databases (gnomAD no frequency). This sequence change replaces glutamine, which is neutral and polar, with lysine, which is basic and polar, at codon 5701 of the SYNE1 protein (p.Gln5701Lys).

CeGaT Center for Human Genetics Tuebingen
Classification: Uncertain significance. Last evaluated: 2019-11-01. Review status: criteria provided, single submitter. Criteria: CeGaT Center For Human Genetics Tuebingen Variant Classification Criteria Version 2. Collection method: clinical testing. Allele origin: germline. Affected: yes. Observed: 1 variant allele.

NM_182961.4(SYNE1):c.17314C>A (p.Gln5772Lys)

Gene: SYNE1 (spectrin repeat containing nuclear envelope protein 1; minus strand). Cytogenetic location: 6q25.2.
Variant type: single nucleotide variant.
Coding change: c.17314C>A on transcript NM_182961.4 (MANE Select); coding-DNA position 17314, C replaced by A.
Protein change: p.Gln5772Lys; replaces glutamine 5772 with lysine.
Molecular consequence: missense variant.
Genome position (GRCh38, 1-based): chr6:152,308,521, G>T on the plus strand (C>A on the coding strand, the complement: SYNE1 is on the minus strand). VCF-style: chr6-152308521-G-T. GRCh37 (hg19) VCF-style: chr6-152629656-G-T.
Other names: c.17101C>A, p.Gln5701Lys (NM_033071.5); short protein forms Q5701K, Q5772K.
Identifiers: ClinVar variation 872151 (VCV000872151.45), dbSNP rs2095448965, ClinGen allele CA366105232.